The following is an entry in ClinVar:

ClinVar aggregate classification (germline): Benign. Review status: criteria provided, multiple submitters, no conflicts (2 of 4 stars). 5 submissions from 3 submitters: Benign (5). Last evaluated 2021-07-14.

Conditions:
Usher syndrome type 1D (USH1D). Also called: USHER SYNDROME, TYPE ID. Identifiers: Orphanet 231169, Orphanet 886, MedGen C1832845, MONDO:0010984, OMIM 601067.
Autosomal recessive nonsyndromic hearing loss 12. Also called: DEAFNESS, AUTOSOMAL RECESSIVE 12. Identifiers: Orphanet 90636, MedGen C1832394, MONDO:0011067, OMIM 601386.
Pituitary adenoma 5, multiple types. Identifiers: MedGen C4539685, MONDO:0054601, OMIM 617540.

Allele frequency attached by ClinVar (database versions not stated): 1000 Genomes Project 0.76118; gnomAD exomes 0.80491; 1000 Genomes Project 30x 0.75562; gnomAD 0.77987 and 0.78075; TOPMed 0.78211.
gnomAD v4.1: 1,207,315 of 1,504,544 alleles (80%); highest among the groups gnomAD compares: East Asian, 83%; 485,342 homozygotes.

Submissions (5):

Genome-Nilou Lab
Classification: Benign for Autosomal recessive nonsyndromic hearing loss 12. Last evaluated: 2021-07-14. Review status: criteria provided, single submitter. Criteria: ACMG Guidelines, 2015. Collection method: clinical testing. Allele origin: germline. Affected: no.

Genome-Nilou Lab
Classification: Benign for Usher syndrome type 1D. Last evaluated: 2021-07-14. Review status: criteria provided, single submitter. Criteria: ACMG Guidelines, 2015. Collection method: clinical testing. Allele origin: germline. Affected: no.

Genome-Nilou Lab
Classification: Benign for Pituitary adenoma 5, multiple types. Last evaluated: 2021-07-14. Review status: criteria provided, single submitter. Criteria: ACMG Guidelines, 2015. Collection method: clinical testing. Allele origin: germline. Affected: no.

GeneDx
Classification: Benign. Last evaluated: 2018-06-14. Review status: criteria provided, single submitter. Criteria: GeneDx Variant Classification (06012015). Collection method: clinical testing. Allele origin: germline. Affected: yes.
Comment: This variant is considered likely benign or benign based on one or more of the following criteria: it is a conservative change, it occurs at a poorly conserved position in the protein, it is predicted to be benign by multiple in silico algorithms, and/or has population frequency not consistent with disease.

Breakthrough Genomics
Classification: Benign. Review status: criteria provided, single submitter. Criteria: ACMG Guidelines, 2015. Collection method: not provided. Allele origin: germline. Inheritance: Autosomal recessive inheritance. Affected: yes.

NM_022124.6(CDH23):c.4206+131T>C

Genes: C10orf105 (chromosome 10 open reading frame 105; minus strand), CDH23 (cadherin related 23; plus strand). Cytogenetic location: 10q22.1.
Variant type: single nucleotide variant.
Coding change: c.4206+131T>C on transcript NM_022124.6 (MANE Select); 131 bases into the intron after coding-DNA position 4206, T replaced by C.
Molecular consequence: intron variant.
Genome position (GRCh38, 1-based): chr10:71,734,472, T>C. VCF-style: chr10-71734472-T-C. GRCh37 (hg19) VCF-style: chr10-73494229-T-C.
Other names: c.-6+3256A>G (NM_001168390.2).
Identifiers: ClinVar variation 678773 (VCV000678773.7), dbSNP rs1227061, ClinGen allele CA13292414.
Genomic context (GRCh38, chr10:71,734,472, plus strand): 5'-CCTCGCCAGCCACCCAATGTATGGGCCAGGCAGCGGGCGAGGGTCTTGATAGCCTGAGGC[T>C]TCGCCATGTCCAGCCATGCCACACCTTCCCAGCAGGTTGGGCTAGGATGAGACCTCAGGC-3'